The following is an entry in ClinVar:

ClinVar aggregate classification (germline): Pathogenic (1 of 4 stars; one submission).

Conditions:
Leber congenital amaurosis 15 (LCA15). Identifiers: Orphanet 65, MedGen C3151206, MONDO:0013457, OMIM 613843.

Submission:

Centre for Mendelian Genomics, University Medical Centre Ljubljana
Classification: Pathogenic for Leber congenital amaurosis 15. Last evaluated: 2018-10-22. Review status: criteria provided, single submitter. Criteria: ACMG Guidelines, 2015. Collection method: clinical testing. Allele origin: unknown. Affected: yes.
Comment: This variant was classified as: Pathogenic. The following ACMG criteria were applied in classifying this variant: PVS1,PM2,PP3.

NM_003322.6(TULP1):c.1112+2T>G

Gene: TULP1 (TUB like protein 1; minus strand). Cytogenetic location: 6p21.31.
Variant type: single nucleotide variant.
Coding change: c.1112+2T>G on transcript NM_003322.6 (MANE Select); the canonical splice donor site of the intron after coding-DNA position 1112, T replaced by G.
Molecular consequence: splice donor variant.
Genome position (GRCh38, 1-based): chr6:35,505,739, A>C on the plus strand (T>G on the coding strand, the complement: TULP1 is on the minus strand). VCF-style: chr6-35505739-A-C. GRCh37 (hg19) VCF-style: chr6-35473516-A-C.
Other names: c.953+2T>G (NM_001289395.2).
Identifiers: ClinVar variation 931832 (VCV000931832.3), dbSNP rs1761066725, ClinGen allele CA363779545.
Genomic context (GRCh38, chr6:35,505,739, plus strand): 5'-GATGACGGGCTATGGCCTTTTGCTGACCCAAGTCCCCCCAGCCCCAGGAAGCCCAGCCCC[A>C]CCTCAGCTTCCCGATGAAATTCTCCCCTCCTCGGGACAGATTGGTAGGGTCGATGGAGAT-3'